The following is an entry in ClinVar:

NM_201253.3(CRB1):c.1612C>G (p.Leu538Val)

Gene: CRB1 (crumbs cell polarity complex component 1; plus strand). Cytogenetic location: 1q31.3.
Variant type: single nucleotide variant.
Coding change: c.1612C>G on transcript NM_201253.3 (MANE Select); coding-DNA position 1612, C replaced by G.
Protein change: p.Leu538Val; replaces leucine 538 with valine.
Molecular consequence: missense variant. On other transcripts: non-coding transcript variant (2).
Genome position (GRCh38, 1-based): chr1:197,421,440, C>G. VCF-style: chr1-197421440-C-G. GRCh37 (hg19) VCF-style: chr1-197390570-C-G.
Other names: c.1276C>G, p.Leu426Val (NM_001193640.2); c.1405C>G, p.Leu469Val (NM_001257965.2); c.1612C>G, p.Leu538Val (NM_001257966.2); short protein forms L426V, L469V, L538V.
Identifiers: ClinVar variation 4881794 (VCV004881794.2).

ClinVar aggregate classification (germline): Uncertain significance (1 of 4 stars; one submission).

Submission:

Dasa
Classification: Uncertain significance. Last evaluated: 2025-02-28. Review status: criteria provided, single submitter. Criteria: DASA Assertion Criteria. Collection method: clinical testing. Allele origin: germline.
Comment: NM_201253.3(CRB1):c.1612C>G (p.Leu538Val) is a missense variant that results in the substitution of leucine with valine. The affected residue or protein region has prior evidence supporting clinical relevance. This variant is absent from population databases. Computational prediction algorithms are consistent with a benign effect. The currently available literature and clinical evidence are not sufficient to establish a definitive association between this variant and the reported condition. Therefore, this variant is classified as a variant of uncertain significance.